The following is an entry in ClinVar:

NM_001369.3(DNAH5):c.4713_4714insTTATACACATCTG (p.Leu1573fs)

Genes: DNAH5 (dynein axonemal heavy chain 5; minus strand), DNAH5-AS1 (DNAH5 antisense RNA 1; plus strand). Cytogenetic location: 5p15.2.
Variant type: Insertion.
Coding change: c.4713_4714insTTATACACATCTG on transcript NM_001369.3 (MANE Select); coding-DNA positions 4713 to 4714, TTATACACATCTG inserted.
Protein change: p.Leu1573fs; shifts the reading frame from leucine 1573.
Molecular consequence: frameshift variant.
Genome position: GRCh38 VCF-style: chr5-13862630-G-GCAGATGTGTATAA. GRCh37 (hg19) VCF-style: chr5-13862739-G-GCAGATGTGTATAA.
Other names: short protein forms L1573fs.
Identifiers: ClinVar variation 5010882 (VCV005010882.1).
Genomic context (GRCh38, chr5:13,862,630, plus strand): 5'-GCAACATCAAGCTGTCCTCCATGTTGGCGATGATTTCCGAGGTACTGTCTCCTCTCAAGA[G>GCAGATGTGTATAA]GAGCTCTCCACGGGTTTTAAAGCTGCCGAAGGTGAATGTTTTATTGTCCCATTCATTAAT-3'

ClinVar aggregate classification (germline): Pathogenic (1 of 4 stars; one submission).

Conditions:
Primary ciliary dyskinesia 3. Identifiers: Orphanet 244, MedGen C1837618, MONDO:0012085, OMIM 608644.

Submission:

Myriad Genetics, Inc.
Classification: Pathogenic for Primary ciliary dyskinesia 3. Last evaluated: 2024-05-14. Review status: criteria provided, single submitter. Criteria: Myriad Autosomal Dominant, Autosomal Recessive and X-Linked Classification Criteria (2023). Collection method: clinical testing. Allele origin: unknown.
Comment: NM_001369.2(DNAH5):c.4713_4714ins13(L1573Yfs*89) is expected to be pathogenic in the context of primary ciliary dyskinesia, DNAH5-related. This variant is predicted to lead to an abnormal or absent protein product due to the creation of a premature termination codon in DNAH5, a gene where loss-of-function variants are known to be pathogenic. Please note: this variant was assessed in the context of healthy population screening.